The following is an entry in ClinVar:

NM_001378457.1(DMXL2):c.3769G>A (p.Asp1257Asn)

Gene: DMXL2 (Dmx like 2; minus strand). Cytogenetic location: 15q21.2.
Variant type: single nucleotide variant.
Coding change: c.3769G>A on transcript NM_001378457.1 (MANE Select); coding-DNA position 3769, G replaced by A.
Protein change: p.Asp1257Asn; replaces aspartic acid 1257 with asparagine.
Molecular consequence: missense variant. On other transcripts: non-coding transcript variant (2), intron variant (2).
Genome position (GRCh38, 1-based): chr15:51,499,455, C>T on the plus strand (G>A on the coding strand, the complement: DMXL2 is on the minus strand). VCF-style: chr15-51499455-C-T. GRCh37 (hg19) VCF-style: chr15-51791652-C-T.
Other names: c.3769G>A, p.Asp1257Asn (NM_001174116.3, NM_001378458.1, NM_001378459.1 and 4 more transcripts); c.3529G>A, p.Asp1177Asn (NM_001378464.1); c.2764+7679G>A (NM_001378460.1); c.2765-4321G>A (NM_001174117.3); short protein forms D1177N, D1257N.
Identifiers: ClinVar variation 4538827 (VCV004538827.1).

ClinVar aggregate classification (germline): Uncertain significance (1 of 4 stars; one submission).

Submission:

GeneDx
Classification: Uncertain significance. Last evaluated: 2025-06-19. Review status: criteria provided, single submitter. Criteria: GeneDx Variant Classification Process June 2021. Collection method: clinical testing. Allele origin: germline. Affected: yes.
Comment: Not observed at significant frequency in large population cohorts (gnomAD); In silico analysis supports that this missense variant has a deleterious effect on protein structure/function; Has not been previously published as pathogenic or benign to our knowledge